The following is an entry in ClinVar:

NM_152564.5(VPS13B):c.7430-13_7430-10del

Gene: VPS13B (vacuolar protein sorting 13 homolog B; plus strand). Cytogenetic location: 8q22.2.
Variant type: Microsatellite.
Coding change: c.7430-13_7430-10del on transcript NM_152564.5 (MANE Select); 13 bases into the intron before coding-DNA position 7430 through 10 bases into the intron before coding-DNA position 7430, 4 bases deleted (GTTT; older notation c.7430-13_7430-10delGTTT).
Molecular consequence: intron variant.
Genome position (GRCh38, 1-based): chr8:99,778,669-99,778,672, GTTT deleted; deleting any 4 consecutive bases within chr8:99,778,663-99,778,672 gives the same sequence; the c. name uses the placement nearest the transcript's 3' end. VCF-style (leftmost placement, unchanged base first): chr8-99778662-CTTGT-C. GRCh37 (hg19) VCF-style: chr8-100790890-CTTGT-C.
Other names: c.7430-13_7430-10delGTTT (NM_152564.4); c.7505-13_7505-10del (NM_017890.5).
Identifiers: ClinVar variation 1457925 (VCV001457925.9), dbSNP rs1194238958, ClinGen allele CA584327693.

ClinVar aggregate classification (germline): Likely benign. Review status: criteria provided, single submitter (1 of 4 stars). 2 submissions from 2 submitters: Likely benign (1). 1 of the submissions does not count toward it. Last evaluated 2025-10-15.

Conditions:
VPS13B-related disorder. Also called: VPS13B-related condition.
Cohen syndrome (COH1). Also called: PEPPER SYNDROME; Cutis verticis gyrata, retinitis pigmentosa, and sensorineural deafness. Identifiers: Orphanet 193, MedGen C0265223, MONDO:0008999, OMIM 216550.

Submissions (2):

Labcorp Genetics (formerly Invitae), Labcorp
Classification: Likely benign for Cohen syndrome. Last evaluated: 2025-10-15. Review status: criteria provided, single submitter. Criteria: Invitae Variant Classification Sherloc (09022015). Collection method: clinical testing. Allele origin: germline.

PreventionGenetics, part of Exact Sciences
Classification: Likely benign for VPS13B-related condition. Last evaluated: 2023-05-15. Review status: no assertion criteria provided. Collection method: clinical testing. Allele origin: germline. Not counted in ClinVar's aggregate classification.
Comment: This variant is classified as likely benign based on ACMG/AMP sequence variant interpretation guidelines (Richards et al. 2015 PMID: 25741868, with internal and published modifications).